The following is an entry in ClinVar:

NM_004153.4(ORC1):c.743C>T (p.Ser248Phe)

Gene: ORC1 (origin recognition complex subunit 1; minus strand). Cytogenetic location: 1p32.3.
Variant type: single nucleotide variant.
Coding change: c.743C>T on transcript NM_004153.4 (MANE Select); coding-DNA position 743, C replaced by T.
Protein change: p.Ser248Phe; replaces serine 248 with phenylalanine.
Molecular consequence: missense variant.
Genome position (GRCh38, 1-based): chr1:52,393,782, G>A on the plus strand (C>T on the coding strand, the complement: ORC1 is on the minus strand). VCF-style: chr1-52393782-G-A. GRCh37 (hg19) VCF-style: chr1-52859454-G-A.
Other names: c.743C>T, p.Ser248Phe (NM_001190818.2, NM_001190819.2); short protein forms S248F.
Identifiers: ClinVar variation 1401363 (VCV001401363.6), dbSNP rs749652476, ClinGen allele CA853516.

ClinVar aggregate classification (germline): Uncertain significance (1 of 4 stars; one submission).

Allele frequency attached by ClinVar (database versions not stated): TOPMed below 0.00001; gnomAD exomes 0.00004; ExAC 0.00005.
gnomAD v4.1: 9 of 1,613,534 alleles (0.00056%); highest among the groups gnomAD compares: Admixed American, 0.013%; no homozygotes.

Submission:

Labcorp Genetics (formerly Invitae), Labcorp
Classification: Uncertain significance. Last evaluated: 2023-06-03. Review status: criteria provided, single submitter. Criteria: Invitae Variant Classification Sherloc (09022015). Collection method: clinical testing. Allele origin: germline.
Comment: Advanced modeling of protein sequence and biophysical properties (such as structural, functional, and spatial information, amino acid conservation, physicochemical variation, residue mobility, and thermodynamic stability) has been performed at Invitae for this missense variant, however the output from this modeling did not meet the statistical confidence thresholds required to predict the impact of this variant on ORC1 protein function. In summary, the available evidence is currently insufficient to determine the role of this variant in disease. Therefore, it has been classified as a Variant of Uncertain Significance. ClinVar contains an entry for this variant (Variation ID: 1401363). This variant has not been reported in the literature in individuals affected with ORC1-related conditions. This variant is present in population databases (rs749652476, gnomAD 0.03%). This sequence change replaces serine, which is neutral and polar, with phenylalanine, which is neutral and non-polar, at codon 248 of the ORC1 protein (p.Ser248Phe).